The following is an entry in ClinVar:

ClinVar aggregate classification (germline): Uncertain significance (1 of 4 stars; one submission).

Conditions:
Inborn genetic diseases. Identifiers: MedGen C0950123, MeSH D030342.

Submission:

Ambry Genetics
Classification: Uncertain significance for Inborn genetic diseases. Last evaluated: 2023-03-09. Review status: criteria provided, single submitter. Criteria: Ambry Variant Classification Scheme 2023. Collection method: clinical testing. Allele origin: germline.
Comment: The p.L1281P variant (also known as c.3842T>C), located in coding exon 28 of the LRRK2 gene, results from a T to C substitution at nucleotide position 3842. The leucine at codon 1281 is replaced by proline, an amino acid with similar properties. This amino acid position is conserved. In addition, the in silico prediction for this alteration is inconclusive. Since supporting evidence is limited at this time, the clinical significance of this alteration remains unclear.

NM_198578.4(LRRK2):c.3842T>C (p.Leu1281Pro)

Gene: LRRK2 (leucine rich repeat kinase 2; plus strand). Cytogenetic location: 12q12.
Variant type: single nucleotide variant.
Coding change: c.3842T>C on transcript NM_198578.4 (MANE Select); coding-DNA position 3842, T replaced by C.
Protein change: p.Leu1281Pro; replaces leucine 1281 with proline.
Molecular consequence: missense variant.
Genome position (GRCh38, 1-based): chr12:40,305,849, T>C. VCF-style: chr12-40305849-T-C. GRCh37 (hg19) VCF-style: chr12-40699651-T-C.
Other names: short protein forms L1281P.
Identifiers: ClinVar variation 2453147 (VCV002453147.2), dbSNP rs2499794843, ClinGen allele CA384417167.